The following is an entry in ClinVar:

ClinVar aggregate classification (germline): Conflicting classifications of pathogenicity. Review status: criteria provided, conflicting classifications (1 of 4 stars). 6 submissions from 6 submitters: Likely pathogenic (2); Uncertain significance (1). 3 of the submissions do not count toward it. Last evaluated 2026-06-24.

Conditions:
PKD1-related disorder. Also called: PKD1-related condition.
Polycystic kidney disease, adult type (PKD1). Also called: POLYCYSTIC KIDNEY DISEASE 1 WITH OR WITHOUT POLYCYSTIC LIVER DISEASE; POLYCYSTIC KIDNEY DISEASE, ADULT, TYPE I; Polycystic Kidney Disease 1, Autosomal Dominant; Polycystic kidney disease 1; Polycystic kidney disease 1, severe; Polycystic Kidney, Autosomal Dominant. Identifiers: MedGen C3149841, MONDO:0008263, OMIM 173900.
Polycystic kidney disease. Also called: Kidney, Polycystic; Polycystic kidney dysplasia. Identifiers: HP:0000113, MedGen C0022680, MeSH D007690, MONDO:0020642.

Submissions (6):

PreventionGenetics, part of Exact Sciences
Classification: Likely pathogenic for PKD1-related condition. Last evaluated: 2026-06-24. Review status: criteria provided, single submitter. Criteria: ACMG Guidelines, 2015. Collection method: clinical testing. Allele origin: germline.
Comment: The PKD1 c.3437_3439delTCT variant is predicted to result in an in-frame deletion (p.Phe1146del). This variant was reported in an individual with polycystic kidney disease (Table S3, Mallawaarachchi et al. 2021. PubMed ID: 33437033). The p.Phe1146 residue is highly conserved. A substitution at this codon, defined as c.3437T>C (p.Phe1146Ser), has been reported in an individual with ADPKD, indicating this codon is critical for the protein function (Supplementary Table 1, Bullich et al. 2018. PubMed ID: 29801666). Loss-of-function is the established disease-causing mechanism of PKD1 for ADPKD. Of note, small in-frame deletions were commonly reported to be pathogenic for ADPKD. The c.3437_3439del (p.Phe1146del) variant has not been reported in a large population database (gnomAD), indicating this variant is rare. This variant is interpreted as likely pathogenic.

Fulgent Genetics
Classification: Likely pathogenic for Polycystic kidney disease, adult type. Last evaluated: 2024-05-18. Review status: criteria provided, single submitter. Criteria: ACMG Guidelines, 2015. Collection method: clinical testing. Allele origin: germline.

Molecular Genetics of Inherited Kidney Disorders Laboratory, Garvan Institute of Medical Research
Classification: Uncertain significance. Last evaluated: 2019-01-01. Review status: criteria provided, single submitter. Criteria: ACMG Guidelines, 2015. Collection method: clinical testing. Allele origin: germline. Affected: yes.

Department of Pathology and Laboratory Medicine, Sinai Health System
Classification: Uncertain significance for Polycystic Kidney disease. Review status: no assertion criteria provided. Collection method: clinical testing. Allele origin: unknown. Affected: yes. Study: The Canadian Open Genetics Repository (COGR). Not counted in ClinVar's aggregate classification.
Comment: The PKD1, p.Phe1146del variant was not identified in the literature nor was it identified in the dbSNP, Clinvitae, ClinVar, GeneInsight COGR, MutDB, ADPKD Mutation Database, PKD1-LOVD, and PKD1-LOVD 3.0, NHLBI GO Exome Sequencing Project and the Exome Aggregation Consortium databases. This variant is an in-frame deletion resulting in the removal of a Phenylalanine residue at codon 1146; the impact of this alteration on PKD1 protein (PC1) function is not known. The variant occurs outside of the splicing consensus sequence and in silico or computational prediction software programs (SpliceSiteFinder, MaxEntScan, NNSPLICE, GeneSplicer, HumanSpliceFinder) do not predict a difference in splicing; this is not very predictive of pathogenicity. In summary, based on the above information, the clinical significance of this variant cannot be determined with certainty at this time. This variant is classified as a variant of uncertain significance.

Genome Diagnostics Laboratory, University Medical Center Utrecht
Classification: Uncertain significance. Review status: no assertion criteria provided. Collection method: clinical testing. Allele origin: germline. Affected: yes. Study: VKGL Data-share Consensus. Not counted in ClinVar's aggregate classification.

Joint Genome Diagnostic Labs from Nijmegen and Maastricht, Radboudumc and MUMC+
Classification: Uncertain significance. Review status: no assertion criteria provided. Collection method: clinical testing. Allele origin: germline. Affected: yes. Study: VKGL Data-share Consensus. Not counted in ClinVar's aggregate classification.

NM_001009944.3(PKD1):c.3437_3439del (p.Phe1146del)

Gene: PKD1 (polycystin 1, transient receptor potential channel interacting; minus strand). Cytogenetic location: 16p13.3.
Variant type: Deletion.
Coding change: c.3437_3439del on transcript NM_001009944.3 (MANE Select); coding-DNA positions 3437 to 3439, 3 bases deleted (TCT; older notation c.3437_3439delTCT).
Protein change: p.Phe1146del; deletes phenylalanine 1146.
Molecular consequence: inframe deletion.
Genome position (GRCh38, 1-based): chr16:2,111,728-2,111,730, AGA deleted on the plus strand (TCT on the coding strand, the reverse complement: PKD1 is on the minus strand); deleting any 3 consecutive bases within chr16:2,111,728-2,111,732 gives the same sequence; the c. name uses the placement nearest the transcript's 3' end. VCF-style (leftmost placement, unchanged base first): chr16-2111727-TAGA-T. GRCh37 (hg19) VCF-style: chr16-2161728-TAGA-T.
Other names: c.3437_3439del, p.Phe1146del (NM_000296.4); short protein forms F1146del.
Identifiers: ClinVar variation 433958 (VCV000433958.9), dbSNP rs1320867301, ClinGen allele CA645373040.